The following is an entry in ClinVar:

NM_002470.4(MYH3):c.129_132del (p.Glu45fs)

Gene: MYH3 (myosin heavy chain 3; minus strand). Cytogenetic location: 17p13.1.
Variant type: Deletion.
Coding change: c.129_132del on transcript NM_002470.4 (MANE Select); coding-DNA positions 129 to 132, 4 bases deleted (AAAG; older notation c.129_132delAAAG).
Protein change: p.Glu45fs; shifts the reading frame from glutamic acid 45.
Molecular consequence: frameshift variant.
Genome position (GRCh38, 1-based): chr17:10,654,933-10,654,936, CTTT deleted on the plus strand (AAAG on the coding strand, the reverse complement: MYH3 is on the minus strand). VCF-style (leftmost placement, unchanged base first): chr17-10654932-CCTTT-C. GRCh37 (hg19) VCF-style: chr17-10558249-CCTTT-C.
Other names: short protein forms E45fs.
Identifiers: ClinVar variation 1945191 (VCV001945191.5), dbSNP rs1377703440, ClinGen allele CA497844413.
Genomic context (GRCh38, chr17:10,654,932, plus strand): 5'-CAGTTTCCACAGTGACCTTCCCATCCTGAGAACTCTTGATTTTCCCCTTGGCATATTCTT[CCTTT>C]GAGTCCACCACGAAGCAATACGTCTTGGCATCAAAGGGCTGGTTCTGAGCCTCGATCCTC-3'

ClinVar aggregate classification (germline): Pathogenic (1 of 4 stars; one submission).

Allele frequency attached by ClinVar (database versions not stated): TOPMed below 0.00001; gnomAD exomes 0.00001.

Submission:

Labcorp Genetics (formerly Invitae), Labcorp
Classification: Pathogenic. Last evaluated: 2023-09-27. Review status: criteria provided, single submitter. Criteria: Invitae Variant Classification Sherloc (09022015). Collection method: clinical testing. Allele origin: germline.
Comment: ClinVar contains an entry for this variant (Variation ID: 1945191). For these reasons, this variant has been classified as Pathogenic. This variant has not been reported in the literature in individuals affected with MYH3-related conditions. This sequence change creates a premature translational stop signal (p.Glu45Asnfs*35) in the MYH3 gene. It is expected to result in an absent or disrupted protein product. Loss-of-function variants in MYH3 are known to be pathogenic (PMID: 29805041, 30008475). This variant is present in population databases (no rsID available, gnomAD 0.0009%).

Literature cited by the submitters: PubMed 29805041; PubMed 30008475.